The following is an entry in ClinVar:

NM_002095.6(GTF2E2):c.281C>T (p.Thr94Met)

Gene: GTF2E2 (general transcription factor IIE subunit 2; minus strand). Cytogenetic location: 8p12.
Variant type: single nucleotide variant.
Coding change: c.281C>T on transcript NM_002095.6 (MANE Select); coding-DNA position 281, C replaced by T.
Protein change: p.Thr94Met; replaces threonine 94 with methionine.
Molecular consequence: missense variant.
Genome position (GRCh38, 1-based): chr8:30,614,693, G>A on the plus strand (C>T on the coding strand, the complement: GTF2E2 is on the minus strand). VCF-style: chr8-30614693-G-A. GRCh37 (hg19) VCF-style: chr8-30472210-G-A.
Other names: c.281C>T (NM_002095.4); c.281C>T, p.Thr94Met (NM_001348353.1); short protein forms T94M.
Identifiers: ClinVar variation 1921714 (VCV001921714.4), dbSNP rs1585966569, ClinGen allele CA370881388.
Genomic context (GRCh38, chr8:30,614,693, plus strand): 5'-TTGAGTCCAATATCTAAATGTTGTGTTTCATCCAAAATTTCATCTAAGGTTAGAGGATGC[G>A]TATCTCCTCGCTGATGCCGTGTCTATCAAGTGAAGAAATTGTTATTAGAAGACAGTTTCA-3'
Protein context (NP_002086.1, residues 84-104): YMKTRHQRGD[Thr94Met]HPLTLDEILD

ClinVar aggregate classification (germline): Uncertain significance. Review status: criteria provided, multiple submitters, no conflicts (2 of 4 stars). 2 submissions from 2 submitters: Uncertain significance (2). Last evaluated 2025-10-21.

Conditions:
Inborn genetic diseases. Identifiers: MedGen C0950123, MeSH D030342.

Allele frequency attached by ClinVar (database versions not stated): TOPMed 0.00001; gnomAD 0.00001.
gnomAD v4.1: 19 of 1,602,772 alleles (0.0012%); highest among the groups gnomAD compares: East Asian, 0.0022%; no homozygotes.

Submissions (2):

Ambry Genetics
Classification: Uncertain significance for Inborn genetic diseases. Last evaluated: 2025-10-21. Review status: criteria provided, single submitter. Criteria: Ambry Variant Classification Scheme 2023. Collection method: clinical testing. Allele origin: germline.

Labcorp Genetics (formerly Invitae), Labcorp
Classification: Uncertain significance. Last evaluated: 2022-03-12. Review status: criteria provided, single submitter. Criteria: Invitae Variant Classification Sherloc (09022015). Collection method: clinical testing. Allele origin: germline.
Comment: In summary, the available evidence is currently insufficient to determine the role of this variant in disease. Therefore, it has been classified as a Variant of Uncertain Significance. Algorithms developed to predict the effect of missense changes on protein structure and function are either unavailable or do not agree on the potential impact of this missense change (SIFT: "Tolerated"; PolyPhen-2: "Probably Damaging"; Align-GVGD: "Class C0"). This variant has not been reported in the literature in individuals affected with GTF2E2-related conditions. This variant is not present in population databases (gnomAD no frequency). This sequence change replaces threonine, which is neutral and polar, with methionine, which is neutral and non-polar, at codon 94 of the GTF2E2 protein (p.Thr94Met).